The following is an entry in ClinVar:

NM_020975.6(RET):c.337+6G>A

Gene: RET (ret proto-oncogene; plus strand). Cytogenetic location: 10q11.21.
Variant type: single nucleotide variant.
Coding change: c.337+6G>A on transcript NM_020975.6 (MANE Select); 6 bases into the intron after coding-DNA position 337, G replaced by A.
Molecular consequence: intron variant.
Genome position (GRCh38, 1-based): chr10:43,100,728, G>A. VCF-style: chr10-43100728-G-A. GRCh37 (hg19) VCF-style: chr10-43596176-G-A.
Other names: c.337+6G>A (NM_020630.7, NM_001406743.1, NM_001406744.1 and 33 more transcripts); c.74-8303G>A (NM_001406784.1); c.74-11371G>A (NM_001406794.1, NM_001406792.1, NM_001406793.1).
Identifiers: ClinVar variation 2169095 (VCV002169095.5), dbSNP rs368388151, ClinGen allele CA043232.

ClinVar aggregate classification (germline): Conflicting classifications of pathogenicity. Review status: criteria provided, conflicting classifications (1 of 4 stars). 2 submissions from 2 submitters: Uncertain significance (1); Likely benign (1). Last evaluated 2025-09-07.

Conditions:
Multiple endocrine neoplasia, type 2 (MEN2). Identifiers: Orphanet 653, MedGen C4048306, MONDO:0019003. Disease mechanism: gain of function.
RET-related disorder. Also called: RET-related condition; RET-related disease; RET-related disorders.

Allele frequency attached by ClinVar (database versions not stated): gnomAD exomes below 0.00001; TOPMed 0.00001; ExAC 0.00002; ESP Exome Variant Server 0.00008.
gnomAD v4.1: 1 of 1,589,824 alleles (0.000063%); highest among the groups gnomAD compares: African/African-American, 0.0013%; no homozygotes.

Submissions (2):

PreventionGenetics, part of Exact Sciences
Classification: Likely benign for RET-related condition. Last evaluated: 2025-09-07. Review status: criteria provided, single submitter. Criteria: ACMG Guidelines, 2015. Collection method: clinical testing. Allele origin: germline.
Comment: This variant is classified as likely benign based on ACMG/AMP sequence variant interpretation guidelines (Richards et al. 2015 PMID: 25741868, with internal and published modifications).

Labcorp Genetics (formerly Invitae), Labcorp
Classification: Uncertain significance for Multiple endocrine neoplasia, type 2. Last evaluated: 2024-01-24. Review status: criteria provided, single submitter. Criteria: Invitae Variant Classification Sherloc (09022015). Collection method: clinical testing. Allele origin: germline.
Comment: This sequence change falls in intron 2 of the RET gene. It does not directly change the encoded amino acid sequence of the RET protein. It affects a nucleotide within the consensus splice site. The frequency data for this variant in the population databases is considered unreliable, as metrics indicate poor data quality at this position in the gnomAD database. This variant has not been reported in the literature in individuals affected with RET-related conditions. ClinVar contains an entry for this variant (Variation ID: 2169095). Variants that disrupt the consensus splice site are a relatively common cause of aberrant splicing (PMID: 17576681, 9536098). Algorithms developed to predict the effect of sequence changes on RNA splicing suggest that this variant is not likely to affect RNA splicing. In summary, the available evidence is currently insufficient to determine the role of this variant in disease. Therefore, it has been classified as a Variant of Uncertain Significance.

Literature cited by the submitters: PubMed 17576681 (cited by Labcorp Genetics (formerly Invitae), Labcorp); PubMed 9536098 (cited by Labcorp Genetics (formerly Invitae), Labcorp).